The following is an entry in ClinVar:

ClinVar aggregate classification (germline): Uncertain significance. Review status: criteria provided, multiple submitters, no conflicts (2 of 4 stars). 2 submissions from 2 submitters: Uncertain significance (2). Last evaluated 2021-09-02.

Conditions:
Familial acute necrotizing encephalopathy (IIAE3). Also called: ENCEPHALOPATHY, ACUTE, INFECTION-INDUCED, SUSCEPTIBILITY TO, 3; Susceptibility to Acute Necrotizing Encephalopathy 1. Identifiers: Orphanet 88619, MedGen C2675556, MONDO:0011953, OMIM 608033.

Allele frequency attached by ClinVar (database versions not stated): gnomAD exomes below 0.00001; ExAC 0.00001.
gnomAD v4.1: 2 of 1,613,966 alleles (0.00012%); highest among the groups gnomAD compares: South Asian, 0.0011%; no homozygotes.

Submissions (2):

Labcorp Genetics (formerly Invitae), Labcorp
Classification: Uncertain significance for Familial acute necrotizing encephalopathy. Last evaluated: 2021-09-02. Review status: criteria provided, single submitter. Criteria: Invitae Variant Classification Sherloc (09022015). Collection method: clinical testing. Allele origin: germline.

GeneDx
Classification: Uncertain significance. Last evaluated: 2020-11-12. Review status: criteria provided, single submitter. Criteria: GeneDx Variant Classification Process June 2021. Collection method: clinical testing. Allele origin: germline. Affected: yes.
Comment: Not observed at a significant frequency in large population cohorts (Lek et al., 2016); In silico analysis supports that this missense variant has a deleterious effect on protein structure/function; Has not been previously published as pathogenic or benign to our knowledge

NM_006267.5(RANBP2):c.3592C>T (p.Arg1198Cys)

Gene: RANBP2 (RAN binding protein 2; plus strand). Cytogenetic location: 2q13.
Variant type: single nucleotide variant.
Coding change: c.3592C>T on transcript NM_006267.5 (MANE Select); coding-DNA position 3592, C replaced by T.
Protein change: p.Arg1198Cys; replaces arginine 1198 with cysteine.
Molecular consequence: missense variant.
Genome position (GRCh38, 1-based): chr2:108,764,131, C>T. VCF-style: chr2-108764131-C-T. GRCh37 (hg19) VCF-style: chr2-109380587-C-T.
Other names: short protein forms R1198C.
Identifiers: ClinVar variation 1002017 (VCV001002017.6), dbSNP rs771155432, ClinGen allele CA1822973.